The following is an entry in ClinVar:

ClinVar aggregate classification (germline): Likely benign. Review status: criteria provided, multiple submitters, no conflicts (2 of 4 stars). 3 submissions from 3 submitters: Likely benign (3). Last evaluated 2025-03-24.

Allele frequency attached by ClinVar (database versions not stated): ExAC 0.00004; TOPMed 0.00005; gnomAD 0.00007; ESP Exome Variant Server 0.00008; gnomAD exomes 0.00008; 1000 Genomes Project 30x 0.00016; 1000 Genomes Project 0.00020.
gnomAD v4.1: 130 of 1,613,370 alleles (0.0081%); highest among the groups gnomAD compares: Non-Finnish European, 0.01%; no homozygotes.

Submissions (3):

Labcorp Genetics (formerly Invitae), Labcorp
Classification: Likely benign. Last evaluated: 2025-03-24. Review status: criteria provided, single submitter. Criteria: Invitae Variant Classification Sherloc (09022015). Collection method: clinical testing. Allele origin: germline.

Blueprint Genetics
Classification: Likely benign. Last evaluated: 2024-02-19. Review status: criteria provided, single submitter. Criteria: ACMG Guidelines, 2015. Collection method: clinical testing. Allele origin: germline.

CeGaT Center for Human Genetics Tuebingen
Classification: Likely benign. Last evaluated: 2023-09-01. Review status: criteria provided, single submitter. Criteria: CeGaT Center For Human Genetics Tuebingen Variant Classification Criteria Version 2. Collection method: clinical testing. Allele origin: germline. Affected: yes. Observed: 2 variant alleles.
Comment: EPS8L2: BP4, BP7

NM_022772.4(EPS8L2):c.1086C>T (p.Asp362=)

Gene: EPS8L2 (EPS8 signaling adaptor L2; plus strand). Cytogenetic location: 11p15.5.
Variant type: single nucleotide variant.
Coding change: c.1086C>T on transcript NM_022772.4 (MANE Select); coding-DNA position 1086, C replaced by T.
Protein change: p.Asp362=; no amino-acid change (aspartic acid 362 retained).
Molecular consequence: synonymous variant.
Genome position (GRCh38, 1-based): chr11:722,427, C>T. VCF-style: chr11-722427-C-T. GRCh37 (hg19) VCF-style: chr11-722427-C-T.
Identifiers: ClinVar variation 2641090 (VCV002641090.28), dbSNP rs200166436, ClinGen allele CA5787496.